The following is an entry in ClinVar:

ClinVar aggregate classification (germline): Uncertain significance (1 of 4 stars; one submission).

Conditions:
SPEG-related disorder. Also called: SPEG-related condition.

Allele frequency attached by ClinVar (database versions not stated): gnomAD exomes below 0.00001.
gnomAD v4.1: 1 of 1,611,446 alleles (0.000062%); highest among the groups gnomAD compares: Non-Finnish European, 0.000085%; no homozygotes.

Submission:

PreventionGenetics, part of Exact Sciences
Classification: Uncertain significance for SPEG-related condition. Last evaluated: 2022-12-21. Review status: criteria provided, single submitter. Criteria: ACMG Guidelines, 2015. Collection method: clinical testing. Allele origin: germline.
Comment: The SPEG c.9662C>A variant is predicted to result in the amino acid substitution p.Ala3221Asp. To our knowledge, this variant has not been reported in the literature or in a large population database, indicating this variant is rare. At this time, the clinical significance of this variant is uncertain due to the absence of conclusive functional and genetic evidence.

NM_005876.5(SPEG):c.9662C>A (p.Ala3221Asp)

Genes: ASIC4-AS1 (ASIC4 antisense RNA 1; minus strand), SPEG (striated muscle enriched protein kinase; plus strand). Cytogenetic location: 2q35.
Variant type: single nucleotide variant.
Coding change: c.9662C>A on transcript NM_005876.5 (MANE Select); coding-DNA position 9662, C replaced by A.
Protein change: p.Ala3221Asp; replaces alanine 3221 with aspartic acid.
Molecular consequence: missense variant.
Genome position (GRCh38, 1-based): chr2:219,492,644, C>A. VCF-style: chr2-219492644-C-A. GRCh37 (hg19) VCF-style: chr2-220357366-C-A.
Other names: short protein forms A3221D.
Identifiers: ClinVar variation 2629891 (VCV002629891.1), dbSNP rs1200647821, ClinGen allele CA350719579.